The following is an entry in ClinVar:

NM_000232.5(SGCB):c.556A>G (p.Thr186Ala)

Gene: SGCB (sarcoglycan beta; minus strand). Cytogenetic location: 4q12.
Variant type: single nucleotide variant.
Coding change: c.556A>G on transcript NM_000232.5 (MANE Select); coding-DNA position 556, A replaced by G.
Protein change: p.Thr186Ala; replaces threonine 186 with alanine.
Molecular consequence: missense variant.
Genome position (GRCh38, 1-based): chr4:52,028,795, T>C on the plus strand (A>G on the coding strand, the complement: SGCB is on the minus strand). VCF-style: chr4-52028795-T-C. GRCh37 (hg19) VCF-style: chr4-52894961-T-C.
Other names: short protein forms T186A.
Identifiers: ClinVar variation 855986 (VCV000855986.12), dbSNP rs1451834188, ClinGen allele CA356876773.

ClinVar aggregate classification (germline): Uncertain significance. Review status: criteria provided, single submitter (1 of 4 stars). 2 submissions from 2 submitters: Uncertain significance (1). 1 of the submissions does not count toward it. Last evaluated 2024-02-24.

Conditions:
Autosomal recessive limb-girdle muscular dystrophy type 2E (LGMDR4). Also called: MUSCULAR DYSTROPHY, LIMB-GIRDLE, AUTOSOMAL RECESSIVE 4. Identifiers: Orphanet 119, MedGen C1858593, MONDO:0011423, OMIM 604286. Disease mechanism: Affects gamma-sarcoglycan and also disrupts the integrity of the entire sarcoglycan complex..

Allele frequency attached by ClinVar (database versions not stated): TOPMed below 0.00001; gnomAD 0.00001; gnomAD exomes 0.00001.

Submissions (2):

Labcorp Genetics (formerly Invitae), Labcorp
Classification: Uncertain significance for Autosomal recessive limb-girdle muscular dystrophy type 2E. Last evaluated: 2024-02-24. Review status: criteria provided, single submitter. Criteria: Invitae Variant Classification Sherloc (09022015). Collection method: clinical testing. Allele origin: germline.
Comment: This sequence change replaces threonine, which is neutral and polar, with alanine, which is neutral and non-polar, at codon 186 of the SGCB protein (p.Thr186Ala). This variant is not present in population databases (gnomAD no frequency). This variant has not been reported in the literature in individuals affected with SGCB-related conditions. ClinVar contains an entry for this variant (Variation ID: 855986). Advanced modeling of protein sequence and biophysical properties (such as structural, functional, and spatial information, amino acid conservation, physicochemical variation, residue mobility, and thermodynamic stability) performed at Invitae indicates that this missense variant is not expected to disrupt SGCB protein function with a negative predictive value of 80%. In summary, the available evidence is currently insufficient to determine the role of this variant in disease. Therefore, it has been classified as a Variant of Uncertain Significance.

Natera, Inc.
Classification: Uncertain significance for Limb-girdle muscular dystrophy type 2E. Last evaluated: 2021-02-03. Review status: no assertion criteria provided. Collection method: clinical testing. Allele origin: germline. Not counted in ClinVar's aggregate classification.